The following is an entry in ClinVar:

NM_025144.4(ALPK1):c.1363dup (p.Ile455fs)

Gene: ALPK1 (alpha kinase 1; plus strand). Cytogenetic location: 4q25.
Variant type: Duplication.
Coding change: c.1363dup on transcript NM_025144.4 (MANE Select); coding-DNA position 1363, one base duplicated (A; older notation c.1363dupA).
Protein change: p.Ile455fs; shifts the reading frame from isoleucine 455.
Molecular consequence: frameshift variant.
Genome position (GRCh38, 1-based): chr4:112,430,910, A duplicated; the last of 6 consecutive A bases (chr4:112,430,905-112,430,910); duplicating any one gives the same sequence. VCF-style (leftmost placement, unchanged base first): chr4-112430904-C-CA. GRCh37 (hg19) VCF-style: chr4-113352060-C-CA.
Other names: c.1363dup, p.Ile455fs (NM_001102406.2); c.1129dup, p.Ile377fs (NM_001253884.2); short protein forms I455fs, I377fs.
Identifiers: ClinVar variation 1914239 (VCV001914239.6), dbSNP rs2476503237, ClinGen allele CA2580071362.

ClinVar aggregate classification (germline): Uncertain significance. Review status: criteria provided, multiple submitters, no conflicts (2 of 4 stars). 2 submissions from 2 submitters: Uncertain significance (2). Last evaluated 2022-09-26.

Submissions (2):

Labcorp Genetics (formerly Invitae), Labcorp
Classification: Uncertain significance. Last evaluated: 2022-09-26. Review status: criteria provided, single submitter. Criteria: Invitae Variant Classification Sherloc (09022015). Collection method: clinical testing. Allele origin: germline.
Comment: This sequence change creates a premature translational stop signal (p.Ile455Asnfs*3) in the ALPK1 gene. It is expected to result in an absent or disrupted protein product. However, the current clinical and genetic evidence is not sufficient to establish whether loss-of-function variants in ALPK1 cause disease. This variant is not present in population databases (gnomAD no frequency). This variant has not been reported in the literature in individuals affected with ALPK1-related conditions. In summary, the available evidence is currently insufficient to determine the role of this variant in disease. Therefore, it has been classified as a Variant of Uncertain Significance.

Breakthrough Genomics
Classification: Uncertain significance. Review status: criteria provided, single submitter. Criteria: ACMG Guidelines, 2015. Collection method: not provided. Allele origin: germline. Inheritance: Autosomal dominant inheritance. Affected: yes.